The following is an entry in ClinVar:

NM_000632.4(ITGAM):c.1737G>C (p.Arg579Ser)

Gene: ITGAM (integrin subunit alpha M; plus strand). Cytogenetic location: 16p11.2.
Variant type: single nucleotide variant.
Coding change: c.1737G>C on transcript NM_000632.4 (MANE Select); coding-DNA position 1737, G replaced by C.
Protein change: p.Arg579Ser; replaces arginine 579 with serine.
Molecular consequence: missense variant.
Genome position (GRCh38, 1-based): chr16:31,321,270, G>C. VCF-style: chr16-31321270-G-C. GRCh37 (hg19) VCF-style: chr16-31332591-G-C.
Other names: c.1740G>C, p.Arg580Ser (NM_001145808.2); c.1737G>C (NM_000632.3); short protein forms R579S, R580S.
Identifiers: ClinVar variation 1450034 (VCV001450034.6), dbSNP rs754605580, ClinGen allele CA8025651.
Genomic context (GRCh38, chr16:31,321,270, plus strand): 5'-TTCTCTCTCCACACCTCTTTTTTACCCTCAGCGGATAGCAGGCTCCAAGCTCTCTCCCAG[G>C]CTCCAGTATTTTGGTCAGTCACTGAGTGGGGGCCAGGACCTCACAATGGATGGACTGGTA-3'
Protein context (NP_000623.2, residues 569-589): QRIAGSKLSP[Arg579Ser]LQYFGQSLSG

ClinVar aggregate classification (germline): Uncertain significance. Review status: criteria provided, multiple submitters, no conflicts (2 of 4 stars). 2 submissions from 2 submitters: Uncertain significance (2). Last evaluated 2022-10-12.

Conditions:
ITGAM-related disorder. Also called: ITGAM-related condition.

gnomAD v4.1: 4 of 1,613,936 alleles (0.00025%); highest among the groups gnomAD compares: Non-Finnish European, 0.00034%; no homozygotes.

Submissions (2):

PreventionGenetics, part of Exact Sciences
Classification: Uncertain significance for ITGAM-related condition. Last evaluated: 2022-10-12. Review status: criteria provided, single submitter. Criteria: ACMG Guidelines, 2015. Collection method: clinical testing. Allele origin: germline.
Comment: The ITGAM c.1737G>C variant is predicted to result in the amino acid substitution p.Arg579Ser. To our knowledge, this variant has not been reported in the literature. This variant is reported in 0.011% of alleles in individuals of East Asian descent in gnomAD. At this time, the clinical significance of this variant is uncertain due to the absence of conclusive functional and genetic evidence.

Labcorp Genetics (formerly Invitae), Labcorp
Classification: Uncertain significance. Last evaluated: 2021-10-22. Review status: criteria provided, single submitter. Criteria: Invitae Variant Classification Sherloc (09022015). Collection method: clinical testing. Allele origin: germline.
Comment: Algorithms developed to predict the effect of missense changes on protein structure and function (SIFT, PolyPhen-2, Align-GVGD) all suggest that this variant is likely to be tolerated. In summary, the available evidence is currently insufficient to determine the role of this variant in disease. Therefore, it has been classified as a Variant of Uncertain Significance. This variant has not been reported in the literature in individuals affected with ITGAM-related conditions. This variant is present in population databases (rs754605580, ExAC 0.01%). This sequence change replaces arginine with serine at codon 579 of the ITGAM protein (p.Arg579Ser). The arginine residue is weakly conserved and there is a moderate physicochemical difference between arginine and serine.